The following is an entry in ClinVar:

NM_001035.3(RYR2):c.1946T>C (p.Val649Ala)

Gene: RYR2 (ryanodine receptor 2; plus strand). Cytogenetic location: 1q43.
Variant type: single nucleotide variant.
Coding change: c.1946T>C on transcript NM_001035.3 (MANE Select); coding-DNA position 1946, T replaced by C.
Protein change: p.Val649Ala; replaces valine 649 with alanine.
Molecular consequence: missense variant.
Genome position (GRCh38, 1-based): chr1:237,493,072, T>C. VCF-style: chr1-237493072-T-C. GRCh37 (hg19) VCF-style: chr1-237656372-T-C.
Other names: short protein forms V649A.
Identifiers: ClinVar variation 2760501 (VCV002760501.3), dbSNP rs1663593389, ClinGen allele CA345389870.

ClinVar aggregate classification (germline): Uncertain significance (1 of 4 stars; one submission).

Conditions:
Catecholaminergic polymorphic ventricular tachycardia 1. Also called: VENTRICULAR TACHYCARDIA, STRESS-INDUCED POLYMORPHIC 1; VENTRICULAR TACHYCARDIA, CATECHOLAMINERGIC POLYMORPHIC, 1, WITH OR WITHOUT ATRIAL DYSFUNCTION AND/OR DILATED CARDIOMYOPATHY; RYR2-Related Catecholaminergic Polymorphic Ventricular Tachycardia. Identifiers: Orphanet 3286, MedGen C1631597, MONDO:0011484, OMIM 604772.

Allele frequency attached by ClinVar (database versions not stated): gnomAD exomes below 0.00001.
gnomAD v4.1: 1 of 1,613,694 alleles (0.000062%); highest among the groups gnomAD compares: African/African-American, 0.0013%; no homozygotes.

Submission:

Labcorp Genetics (formerly Invitae), Labcorp
Classification: Uncertain significance for Catecholaminergic polymorphic ventricular tachycardia 1. Last evaluated: 2023-09-13. Review status: criteria provided, single submitter. Criteria: Invitae Variant Classification Sherloc (09022015). Collection method: clinical testing. Allele origin: germline.
Comment: This sequence change replaces valine, which is neutral and non-polar, with alanine, which is neutral and non-polar, at codon 649 of the RYR2 protein (p.Val649Ala). This variant is not present in population databases (gnomAD no frequency). This variant has not been reported in the literature in individuals affected with RYR2-related conditions. Advanced modeling of protein sequence and biophysical properties (such as structural, functional, and spatial information, amino acid conservation, physicochemical variation, residue mobility, and thermodynamic stability) has been performed at Invitae for this missense variant, however the output from this modeling did not meet the statistical confidence thresholds required to predict the impact of this variant on RYR2 protein function. In summary, the available evidence is currently insufficient to determine the role of this variant in disease. Therefore, it has been classified as a Variant of Uncertain Significance.